The following is an entry in ClinVar:

ClinVar aggregate classification (germline): Uncertain significance (1 of 4 stars; one submission).

gnomAD v4.1: 41 of 1,613,844 alleles (0.0025%); highest among the groups gnomAD compares: Non-Finnish European, 0.0035%; no homozygotes.

Submission:

Labcorp Genetics (formerly Invitae), Labcorp
Classification: Uncertain significance. Last evaluated: 2024-04-09. Review status: criteria provided, single submitter. Criteria: Invitae Variant Classification Sherloc (09022015). Collection method: clinical testing. Allele origin: germline.
Comment: This sequence change replaces glutamic acid, which is acidic and polar, with aspartic acid, which is acidic and polar, at codon 1614 of the HERC1 protein (p.Glu1614Asp). This variant is present in population databases (rs777105000, gnomAD 0.002%). This variant has not been reported in the literature in individuals affected with HERC1-related conditions. An algorithm developed to predict the effect of missense changes on protein structure and function (PolyPhen-2) suggests that this variant is likely to be tolerated. In summary, the available evidence is currently insufficient to determine the role of this variant in disease. Therefore, it has been classified as a Variant of Uncertain Significance.

NM_003922.4(HERC1):c.4842A>C (p.Glu1614Asp)

Gene: HERC1 (HECT and RLD domain containing E3 ubiquitin protein ligase family member 1; minus strand). Cytogenetic location: 15q22.31.
Variant type: single nucleotide variant.
Coding change: c.4842A>C on transcript NM_003922.4 (MANE Select); coding-DNA position 4842, A replaced by C.
Protein change: p.Glu1614Asp; replaces glutamic acid 1614 with aspartic acid.
Molecular consequence: missense variant.
Genome position (GRCh38, 1-based): chr15:63,698,791, T>G on the plus strand (A>C on the coding strand, the complement: HERC1 is on the minus strand). VCF-style: chr15-63698791-T-G. GRCh37 (hg19) VCF-style: chr15-63990990-T-G.
Other names: short protein forms E1614D.
Identifiers: ClinVar variation 3625748 (VCV003625748.2).